The following is an entry in ClinVar:

NM_005359.6(SMAD4):c.252G>C (p.Val84=)

Gene: SMAD4 (SMAD family member 4; plus strand). Cytogenetic location: 18q21.2.
Variant type: single nucleotide variant.
Coding change: c.252G>C on transcript NM_005359.6 (MANE Select); coding-DNA position 252, G replaced by C.
Protein change: p.Val84=; no amino-acid change (valine 84 retained).
Molecular consequence: synonymous variant. On other transcripts: non-coding transcript variant (2).
Genome position (GRCh38, 1-based): chr18:51,048,688, G>C. VCF-style: chr18-51048688-G-C. GRCh37 (hg19) VCF-style: chr18-48575058-G-C.
Other names: c.252G>C, p.Val84= (NM_001407041.1, NM_001407042.1, NM_001407043.1).
Identifiers: ClinVar variation 3904076 (VCV003904076.1).
Genomic context (GRCh38, chr18:51,048,688, plus strand): 5'-TATATAAAAGTGTCTTGCATAATGTGACACATGAATAAATGGTCGTTTATTTTTCTAGGT[G>C]GCTGGTCGGAAAGGATTTCCTCATGTGATCTATGCCCGTCTCTGGAGGTGGCCTGATCTT-3'
Protein context (NP_005350.1, residues 74-94): IQRTLDGRLQ[Val84=]AGRKGFPHVI

ClinVar aggregate classification (germline): Benign (1 of 4 stars; one submission).

Conditions:
Juvenile polyposis/hereditary hemorrhagic telangiectasia syndrome (JPHT). Also called: JP/HHT SYNDROME; JUVENILE POLYPOSIS WITH HEREDITARY HEMORRHAGIC TELANGIECTASIA; POLYPOSIS, GENERALIZED JUVENILE, WITH PULMONARY ARTERIOVENOUS MALFORMATION; TELANGIECTASIA, HEREDITARY HEMORRHAGIC, WITH JUVENILE POLYPOSIS COLI; Juvenile Polyposis Syndrome / Hereditary Hemorrhagic Telangiectasia (JPS/HHT). Identifiers: Orphanet 2929, MedGen C1832942, MONDO:0008278, OMIM 175050.

Submission:

Myriad Genetics, Inc.
Classification: Benign for Juvenile polyposis/hereditary hemorrhagic telangiectasia syndrome. Last evaluated: 2025-03-18. Review status: criteria provided, single submitter. Criteria: Myriad Autosomal Dominant, Autosomal Recessive and X-Linked Classification Criteria (2023). Collection method: clinical testing. Allele origin: unknown.
Comment: This variant is considered benign. This variant is a silent/synonymous amino acid change and it is not expected to impact splicing.